The following is an entry in ClinVar:

NM_015450.3(POT1):c.953C>G (p.Ser318Cys)

Gene: POT1 (protection of telomeres 1; minus strand). Cytogenetic location: 7q31.33.
Variant type: single nucleotide variant.
Coding change: c.953C>G on transcript NM_015450.3 (MANE Select); coding-DNA position 953, C replaced by G.
Protein change: p.Ser318Cys; replaces serine 318 with cysteine.
Molecular consequence: missense variant. On other transcripts: non-coding transcript variant (3).
Genome position (GRCh38, 1-based): chr7:124,846,995, G>C on the plus strand (C>G on the coding strand, the complement: POT1 is on the minus strand). VCF-style: chr7-124846995-G-C. GRCh37 (hg19) VCF-style: chr7-124487049-G-C.
Other names: c.560C>G, p.Ser187Cys (NM_001042594.2); short protein forms S187C, S318C.
Identifiers: ClinVar variation 1391168 (VCV001391168.6), dbSNP rs1795185799, ClinGen allele CA369053855.

ClinVar aggregate classification (germline): Uncertain significance (1 of 4 stars; one submission).

Conditions:
Tumor predisposition syndrome 3 (TPDS3). Also called: Melanoma, cutaneous malignant, susceptibility to, 10; Glioma susceptibility 9; LONG TELOMERE SYNDROME, POT1-RELATED; POT1 Tumor Predisposition. Identifiers: Orphanet 618, MedGen C4014476, MONDO:0014368, OMIM 615848.

Submission:

Labcorp Genetics (formerly Invitae), Labcorp
Classification: Uncertain significance for Tumor predisposition syndrome 3. Last evaluated: 2023-04-17. Review status: criteria provided, single submitter. Criteria: Invitae Variant Classification Sherloc (09022015). Collection method: clinical testing. Allele origin: germline.
Comment: This variant is not present in population databases (gnomAD no frequency). This sequence change replaces serine, which is neutral and polar, with cysteine, which is neutral and slightly polar, at codon 318 of the POT1 protein (p.Ser318Cys). In summary, the available evidence is currently insufficient to determine the role of this variant in disease. Therefore, it has been classified as a Variant of Uncertain Significance. Advanced modeling of protein sequence and biophysical properties (such as structural, functional, and spatial information, amino acid conservation, physicochemical variation, residue mobility, and thermodynamic stability) performed at Invitae indicates that this missense variant is not expected to disrupt POT1 protein function. ClinVar contains an entry for this variant (Variation ID: 1391168). This variant has not been reported in the literature in individuals affected with POT1-related conditions.